The following is an entry in ClinVar:

NM_000463.3(UGT1A1):c.859T>C (p.Ser287Pro)

Genes: UGT1A (UDP glucuronosyltransferase family 1 member A complex locus; plus strand), UGT1A1 (UDP glucuronosyltransferase family 1 member A1; plus strand), UGT1A10 (UDP glucuronosyltransferase family 1 member A10; plus strand), UGT1A3 (UDP glucuronosyltransferase family 1 member A3; plus strand), UGT1A4 (UDP glucuronosyltransferase family 1 member A4; plus strand) and 5 more. Cytogenetic location: 2q37.1.
Variant type: single nucleotide variant.
Coding change: c.859T>C on transcript NM_000463.3 (MANE Select); coding-DNA position 859, T replaced by C.
Protein change: p.Ser287Pro; replaces serine 287 with proline.
Molecular consequence: missense variant. On other transcripts: intron variant (9).
Genome position (GRCh38, 1-based): chr2:233,761,146, T>C. VCF-style: chr2-233761146-T-C. GRCh37 (hg19) VCF-style: chr2-234669792-T-C.
Other names: c.868-5888T>C (NM_019093.4, NM_019078.2, NM_007120.3); c.856-5888T>C (NM_019076.5, NM_019075.4, NM_021027.3 and 1 more transcripts); c.61-5888T>C (NM_205862.3); c.862-5888T>C (NM_001072.4); short protein forms S287P.
Identifiers: ClinVar variation 3712770 (VCV003712770.2).

ClinVar aggregate classification (germline): Uncertain significance (1 of 4 stars; one submission).

gnomAD v4.1: 13 of 1,614,114 alleles (0.00081%); highest among the groups gnomAD compares: African/African-American, 0.004%; no homozygotes.

Submission:

Labcorp Genetics (formerly Invitae), Labcorp
Classification: Uncertain significance. Last evaluated: 2024-09-04. Review status: criteria provided, single submitter. Criteria: Invitae Variant Classification Sherloc (09022015). Collection method: clinical testing. Allele origin: germline.
Comment: This sequence change replaces serine, which is neutral and polar, with proline, which is neutral and non-polar, at codon 287 of the UGT1A1 protein (p.Ser287Pro). This variant is present in population databases (no rsID available, gnomAD 0.008%). This variant has not been reported in the literature in individuals affected with UGT1A1-related conditions. An algorithm developed to predict the effect of missense changes on protein structure and function (PolyPhen-2) suggests that this variant is likely to be tolerated. In summary, the available evidence is currently insufficient to determine the role of this variant in disease. Therefore, it has been classified as a Variant of Uncertain Significance.